The following is an entry in ClinVar:

ClinVar aggregate classification (germline): Uncertain significance (1 of 4 stars; one submission).

Conditions:
Dystonic disorder. Also called: Dystonia. Identifiers: MedGen C0013421, MONDO:0003441, HP:0001332.

Submission:

Labcorp Genetics (formerly Invitae), Labcorp
Classification: Uncertain significance for Dystonic disorder. Last evaluated: 2020-01-25. Review status: criteria provided, single submitter. Criteria: Invitae Variant Classification Sherloc (09022015). Collection method: clinical testing. Allele origin: germline.
Comment: This sequence change replaces serine with phenylalanine at codon 332 of the CIZ1 protein (p.Ser332Phe). The serine residue is weakly conserved and there is a large physicochemical difference between serine and phenylalanine. This variant is not present in population databases (ExAC no frequency). This variant has not been reported in the literature in individuals with CIZ1-related conditions. Algorithms developed to predict the effect of missense changes on protein structure and function are either unavailable or do not agree on the potential impact of this missense change (SIFT: "Deleterious"; PolyPhen-2: "Benign"; Align-GVGD: "Class C0"). In summary, the available evidence is currently insufficient to determine the role of this variant in disease. Therefore, it has been classified as a Variant of Uncertain Significance.

NM_001131016.2(CIZ1):c.995C>T (p.Ser332Phe)

Gene: CIZ1 (CDKN1A interacting zinc finger protein 1; minus strand). Cytogenetic location: 9q34.11.
Variant type: single nucleotide variant.
Coding change: c.995C>T on transcript NM_001131016.2 (MANE Select); coding-DNA position 995, C replaced by T.
Protein change: p.Ser332Phe; replaces serine 332 with phenylalanine.
Molecular consequence: missense variant.
Genome position (GRCh38, 1-based): chr9:128,179,212, G>A on the plus strand (C>T on the coding strand, the complement: CIZ1 is on the minus strand). VCF-style: chr9-128179212-G-A. GRCh37 (hg19) VCF-style: chr9-130941491-G-A.
Other names: c.995C>T, p.Ser332Phe (NM_001131015.2, NM_012127.3); c.980C>T, p.Ser327Phe (NM_001131017.2); c.923C>T, p.Ser308Phe (NM_001131018.2); c.1085C>T, p.Ser362Phe (NM_001257975.2); c.692C>T, p.Ser231Phe (NM_001257976.2); short protein forms S362F, S327F, S308F, S332F, S231F.
Identifiers: ClinVar variation 861733 (VCV000861733.9), dbSNP rs771566865, ClinGen allele CA375028723.
Genomic context (GRCh38, chr9:128,179,212, plus strand): 5'-TCTGGAGAGGTCTGTGTTTGCGCCTGCTTCTGCAGCTTTGGCTGCACCTGGGTGTCTGTG[G>A]ATGGTATCCGCGGCTGAGTCTGTGACTGCACCTGGGCCTGGACCTGCAGGACCCGTGGCT-3'
Protein context (NP_001124488.1, residues 322-342): VQSQTQPRIP[Ser332Phe]TDTQVQPKLQ